The following is an entry in ClinVar:

NM_002662.5(PLD1):c.2569A>G (p.Ile857Val)

Gene: PLD1 (phospholipase D1; minus strand). Cytogenetic location: 3q26.31.
Variant type: single nucleotide variant.
Coding change: c.2569A>G on transcript NM_002662.5 (MANE Select); coding-DNA position 2569, A replaced by G.
Protein change: p.Ile857Val; replaces isoleucine 857 with valine.
Molecular consequence: missense variant.
Genome position (GRCh38, 1-based): chr3:171,642,864, T>C on the plus strand (A>G on the coding strand, the complement: PLD1 is on the minus strand). VCF-style: chr3-171642864-T-C. GRCh37 (hg19) VCF-style: chr3-171360654-T-C.
Other names: c.2455A>G, p.Ile819Val (NM_001130081.3); short protein forms I819V, I857V.
Identifiers: ClinVar variation 1033940 (VCV001033940.4), dbSNP rs143219477, ClinGen allele CA2704192.
Genomic context (GRCh38, chr3:171,642,864, plus strand): 5'-AAAAACAATGATATGAGAAAAAAAGCAGTTACTTACGCTCTGCTTTTAACTGTCCAAGGA[T>C]GGAATTTTCTCCTCTGCACATGGTTCTGAAAATATGTAAAGGAGAAAATAATTACAGAGG-3'
Protein context (NP_002653.1, residues 847-867): YRTMCRGENS[Ile857Val]LGQLKAELGN

ClinVar aggregate classification (germline): Conflicting classifications of pathogenicity. Review status: criteria provided, conflicting classifications (1 of 4 stars). 2 submissions from 2 submitters: Uncertain significance (1); Likely benign (1). Last evaluated 2023-05-15.

Conditions:
Cardiac valvular defect, developmental (CVDP1). Also called: CARDIAC VALVULAR DYSPLASIA 1. Identifiers: MedGen C5774175, MONDO:0008913, OMIM 212093.

Allele frequency attached by ClinVar (database versions not stated): gnomAD exomes 0.00005 and 0.00015; ExAC 0.00019; ESP Exome Variant Server 0.00062; gnomAD 0.00062; TOPMed 0.00062; 1000 Genomes Project 0.00120; 1000 Genomes Project 30x 0.00187.
gnomAD v4.1: 170 of 1,589,910 alleles (0.011%); highest among the groups gnomAD compares: African/African-American, 0.22%; no homozygotes.

Submissions (2):

Labcorp Genetics (formerly Invitae), Labcorp
Classification: Likely benign. Last evaluated: 2023-05-15. Review status: criteria provided, single submitter. Criteria: Invitae Variant Classification Sherloc (09022015). Collection method: clinical testing. Allele origin: germline.

Baylor Genetics
Classification: Uncertain significance for Cardiac valvular defect, developmental. Last evaluated: 2018-10-03. Review status: criteria provided, single submitter. Criteria: ACMG Guidelines, 2015. Collection method: clinical testing. Allele origin: maternal. Affected: yes.
Comment: This variant was determined to be of uncertain significance according to ACMG Guidelines, 2015 [PMID:25741868].